The following is an entry in ClinVar:

ClinVar aggregate classification (germline): Uncertain significance (1 of 4 stars; one submission).

Conditions:
Inosine triphosphatase deficiency. Also called: INOSINE TRIPHOSPHATE PYROPHOSPHOHYDROLASE DEFICIENCY. Identifiers: MedGen C0342800, MONDO:0013461, OMIM 613850.

Allele frequency attached by ClinVar (database versions not stated): gnomAD exomes below 0.00001; ExAC 0.00001.
gnomAD v4.1: 1 of 1,613,934 alleles (0.000062%); highest among the groups gnomAD compares: South Asian, 0.0011%; no homozygotes.

Submission:

Labcorp Genetics (formerly Invitae), Labcorp
Classification: Uncertain significance for Inosine triphosphatase deficiency. Last evaluated: 2023-12-11. Review status: criteria provided, single submitter. Criteria: Invitae Variant Classification Sherloc (09022015). Collection method: clinical testing. Allele origin: germline.
Comment: This sequence change replaces phenylalanine, which is neutral and non-polar, with leucine, which is neutral and non-polar, at codon 12 of the ITPA protein (p.Phe12Leu). This variant is present in population databases (rs767397739, gnomAD 0.003%). This variant has not been reported in the literature in individuals affected with ITPA-related conditions. ClinVar contains an entry for this variant (Variation ID: 1425718). An algorithm developed to predict the effect of missense changes on protein structure and function (PolyPhen-2) suggests that this variant is likely to be disruptive. In summary, the available evidence is currently insufficient to determine the role of this variant in disease. Therefore, it has been classified as a Variant of Uncertain Significance.

NM_033453.4(ITPA):c.34T>C (p.Phe12Leu)

Gene: ITPA (inosine triphosphatase; plus strand). Cytogenetic location: 20p13.
Variant type: single nucleotide variant.
Coding change: c.34T>C on transcript NM_033453.4 (MANE Select); coding-DNA position 34, T replaced by C.
Protein change: p.Phe12Leu; replaces phenylalanine 12 with leucine.
Molecular consequence: missense variant. On other transcripts: 5 prime UTR variant (1), non-coding transcript variant (1), intron variant (4).
Genome position (GRCh38, 1-based): chr20:3,209,585, T>C. VCF-style: chr20-3209585-T-C. GRCh37 (hg19) VCF-style: chr20-3190231-T-C.
Other names: c.34T>C, p.Phe12Leu (NM_001267623.2, NM_001324240.2); c.-307T>C (NM_001324236.2); c.-272+552T>C (NM_001324237.2); c.-275+552T>C (NM_001324238.2); c.15+19T>C (NM_181493.4); c.-275+50T>C (NM_001351739.2); short protein forms F12L.
Identifiers: ClinVar variation 1425718 (VCV001425718.8), dbSNP rs767397739, ClinGen allele CA9741113.